The following is an entry in ClinVar:

NM_000038.6(APC):c.5250C>T (p.Val1750=)

Gene: APC (APC regulator of Wnt signaling pathway; plus strand). Cytogenetic location: 5q22.2.
Variant type: single nucleotide variant.
Coding change: c.5250C>T on transcript NM_000038.6 (MANE Select); coding-DNA position 5250, C replaced by T.
Protein change: p.Val1750=; no amino-acid change (valine 1750 retained).
Molecular consequence: synonymous variant.
Genome position (GRCh38, 1-based): chr5:112,840,844, C>T. VCF-style: chr5-112840844-C-T. GRCh37 (hg19) VCF-style: chr5-112176541-C-T.
Other names: c.5250C>T, p.Val1750= (NM_001127510.3, NM_001354895.2); c.5196C>T, p.Val1732= (NM_001127511.3); c.5304C>T, p.Val1768= (NM_001354896.2); c.5280C>T, p.Val1760= (NM_001354897.2); c.5175C>T, p.Val1725= (NM_001354898.2); c.5166C>T, p.Val1722= (NM_001354899.2); c.5127C>T, p.Val1709= (NM_001354900.2); c.5073C>T, p.Val1691= (NM_001354901.2); and 5 more.
Identifiers: ClinVar variation 184668 (VCV000184668.41), dbSNP rs2229997, ClinGen allele CA009963.

ClinVar aggregate classification (germline): Benign/Likely benign. Review status: criteria provided, multiple submitters, no conflicts (2 of 4 stars). 14 submissions from 14 submitters: Benign (4); Likely benign (7). 3 of the submissions do not count toward it. Last evaluated 2026-02-01.

Conditions:
Classic or attenuated familial adenomatous polyposis. Identifiers: MedGen CN372698, MONDO:0021057.
APC-related disorder. Also called: APC-related condition.
Hereditary cancer-predisposing syndrome. Also called: Tumor predisposition; Neoplastic Syndromes, Hereditary; Hereditary Cancer Syndrome; Hereditary neoplastic syndrome. Identifiers: Orphanet 140162, MedGen C0027672, MeSH D009386, MONDO:0015356.
Familial adenomatous polyposis 1 (FAP1). Also called: POLYPOSIS, ADENOMATOUS INTESTINAL; FAMILIAL ADENOMATOUS POLYPOSIS 1, ATTENUATED. Identifiers: MedGen C2713442, MONDO:0021056, OMIM 175100. Disease mechanism: loss of function.

gnomAD v4.1: 37 of 1,613,910 alleles (0.0023%); highest among the groups gnomAD compares: Non-Finnish European, 0.00042%; no homozygotes.

Submissions (14):

CeGaT Center for Human Genetics Tuebingen
Classification: Likely benign. Last evaluated: 2026-02-01. Review status: criteria provided, single submitter. Criteria: CeGaT Center For Human Genetics Tuebingen Variant Classification Criteria Version 2. Collection method: clinical testing. Allele origin: germline. Affected: yes. Observed: 2 variant alleles.
Comment: APC: BP4

Labcorp Genetics (formerly Invitae), Labcorp
Classification: Benign for Familial adenomatous polyposis 1. Last evaluated: 2025-12-15. Review status: criteria provided, single submitter. Criteria: Invitae Variant Classification Sherloc (09022015). Collection method: clinical testing. Allele origin: germline.

Quest Diagnostics Nichols Institute San Juan Capistrano
Classification: Benign. Last evaluated: 2024-12-18. Review status: criteria provided, single submitter. Criteria: Quest Diagnostics criteria. Collection method: clinical testing. Allele origin: unknown.

Blueprint Genetics
Classification: Likely benign. Last evaluated: 2023-12-29. Review status: criteria provided, single submitter. Criteria: ACMG Guidelines, 2015. Collection method: clinical testing. Allele origin: germline.

All of Us Research Program, National Institutes of Health
Classification: Likely benign for Classic or attenuated familial adenomatous polyposis. Last evaluated: 2023-11-30. Review status: criteria provided, single submitter. Criteria: ACMG Guidelines, 2015. Collection method: clinical testing. Allele origin: germline. Inheritance: Autosomal dominant inheritance. Observed: 9 variant alleles, 9 heterozygotes.
Comment: This study involves interpretation of variants in research participants for the purpose of population health screening. Participant phenotype was not available at the time of variant classification. Additional details can be found in publication PMID: 35346344, PMCID: PMC8962531

Myriad Genetics, Inc.
Classification: Benign for Familial adenomatous polyposis 1. Last evaluated: 2023-02-16. Review status: criteria provided, single submitter. Criteria: Myriad Autosomal Dominant, Autosomal Recessive and X-Linked Classification Criteria (2023). Collection method: clinical testing. Allele origin: unknown.
Comment: This variant is considered benign. This variant is a silent/synonymous amino acid change and it is not expected to impact splicing.

Sema4
Classification: Likely benign for Hereditary cancer-predisposing syndrome. Last evaluated: 2021-05-26. Review status: criteria provided, single submitter. Criteria: Sema4 Curation Guidelines. Collection method: curation. Allele origin: germline.

Women's Health and Genetics/Laboratory Corporation of America, LabCorp
Classification: Likely benign. Last evaluated: 2020-02-21. Review status: criteria provided, single submitter. Criteria: LabCorp Variant Classification Summary - May 2015. Collection method: clinical testing. Allele origin: germline.

Color Diagnostics, LLC DBA Color Health
Classification: Likely benign for Hereditary cancer-predisposing syndrome. Last evaluated: 2016-10-07. Review status: criteria provided, single submitter. Criteria: ACMG Guidelines, 2015. Collection method: clinical testing. Allele origin: germline.

GeneDx
Classification: Benign. Last evaluated: 2015-05-12. Review status: criteria provided, single submitter. Criteria: GeneDx Variant Classification Process June 2021. Collection method: clinical testing. Allele origin: germline. Affected: yes.

Ambry Genetics
Classification: Likely benign for Hereditary cancer-predisposing syndrome. Last evaluated: 2014-12-18. Review status: criteria provided, single submitter. Criteria: Ambry Variant Classification Scheme 2023. Collection method: clinical testing. Allele origin: germline.

PreventionGenetics, part of Exact Sciences
Classification: Likely benign for APC-related condition. Last evaluated: 2023-02-16. Review status: no assertion criteria provided. Collection method: clinical testing. Allele origin: germline. Not counted in ClinVar's aggregate classification.
Comment: This variant is classified as likely benign based on ACMG/AMP sequence variant interpretation guidelines (Richards et al. 2015 PMID: 25741868, with internal and published modifications).

Counsyl
Classification: Likely benign for Familial adenomatous polyposis 1. Last evaluated: 2016-03-23. Review status: no assertion criteria provided. Collection method: clinical testing. Allele origin: unknown. Not counted in ClinVar's aggregate classification.

Department of Pathology and Laboratory Medicine, Sinai Health System
Classification: Likely benign. Review status: no assertion criteria provided. Collection method: clinical testing. Allele origin: unknown. Affected: yes. Observed: 1 variant allele. Study: The Canadian Open Genetics Repository (COGR). Not counted in ClinVar's aggregate classification.
Comment: The APC p.Val1750= variant was not identified in the literature nor was it identified in the following databases: MutDB, UMD-LSDB, Zhejiang Colon Cancer Database. The variant was identified in dbSNP (ID: rs2229997) as â€šÃ„ÃºWith Likely benign alleleâ€šÃ„Ã¹, ClinVar (as likely benign by Ambry Genetics, Invitae, Counsyl, and Color Genomics), Clinvitae (2x), Cosmic (in a tumour in the large intestine), and LOVD 3.0 (1x). The variant was identified in control databases in 13 of 245396 chromosomes at a frequency of 0.000053 (Genome Aggregation Database Feb 27, 2017). It was observed in the following populations: European (Non-Finnish) in 1 of 111010 chromosomes (freq: 0.000009), and Ashkenazi Jewish in 12 of 9812 chromosomes (freq: 0.001223); it was not observed in the African, Other, Latino, East Asian, European (Finnish), and South Asian populations. The p.Val1750= variant is not expected to have clinical significance because it does not result in a change of amino acid and is not located in a known consensus splice site. In addition, in silico or computational prediction software programs (SpliceSiteFinder, MaxEntScan, NNSPLICE, GeneSplicer, HumanSpliceFinder) do not predict a difference in splicing. In summary, based on the above information the clinical significance of this variant cannot be determined with certainty at this time although we would lean towards a more benign role for this variant. This variant is classified as likely benign.